The following is an entry in ClinVar:

NM_005751.5(AKAP9):c.77A>C (p.Gln26Pro)

Gene: AKAP9 (A-kinase anchoring protein 9; plus strand). Cytogenetic location: 7q21.2.
Variant type: single nucleotide variant.
Coding change: c.77A>C on transcript NM_005751.5 (MANE Select); coding-DNA position 77, A replaced by C.
Protein change: p.Gln26Pro; replaces glutamine 26 with proline.
Molecular consequence: missense variant.
Genome position (GRCh38, 1-based): chr7:91,973,739, A>C. VCF-style: chr7-91973739-A-C. GRCh37 (hg19) VCF-style: chr7-91603053-A-C.
Other names: c.77A>C, p.Gln26Pro (NM_147185.3); short protein forms Q26P.
Identifiers: ClinVar variation 1760671 (VCV001760671.2), dbSNP rs2484598434, ClinGen allele CA368118398.
Genomic context (GRCh38, chr7:91,973,739, plus strand): 5'-TTGACAATAACGGTTATTTTCTTTTTTCTTAGCTTGCCCAGTTTCGACAAAGAAAAGCTC[A>C]GTCGGATGGGCAGAGTCCTTCCAAGAAGCAGAAAAAAAAGAGAAAAACGTCAAGCAGTAA-3'
Protein context (NP_005742.4, residues 16-36): KLAQFRQRKA[Gln26Pro]SDGQSPSKKQ

ClinVar aggregate classification (germline): Uncertain significance (1 of 4 stars; one submission).

Conditions:
Cardiovascular phenotype. Identifiers: MedGen CN230736.

Submission:

Ambry Genetics
Classification: Uncertain significance for Cardiovascular phenotype. Last evaluated: 2021-05-27. Review status: criteria provided, single submitter. Criteria: Ambry Variant Classification Scheme 2023. Collection method: clinical testing. Allele origin: germline.
Comment: The p.Q26P variant (also known as c.77A>C), located in coding exon 2 of the AKAP9 gene, results from an A to C substitution at nucleotide position 77. The glutamine at codon 26 is replaced by proline, an amino acid with similar properties. This amino acid position is well conserved in available vertebrate species. In addition, this alteration is predicted to be tolerated by in silico analysis. Since supporting evidence is limited at this time, the clinical significance of this alteration remains unclear.